The following is an entry in ClinVar:

ClinVar aggregate classification (germline): Uncertain significance. Review status: criteria provided, multiple submitters, no conflicts (2 of 4 stars). 3 submissions from 3 submitters: Uncertain significance (3). Last evaluated 2025-08-29.

Conditions:
Inborn genetic diseases. Identifiers: MedGen C0950123, MeSH D030342.

Allele frequency attached by ClinVar (database versions not stated): ExAC 0.00001; TOPMed 0.00001; gnomAD 0.00002.
gnomAD v4.1: 25 of 1,613,896 alleles (0.0015%); highest among the groups gnomAD compares: Non-Finnish European, 0.0019%; no homozygotes.

Submissions (3):

Ambry Genetics
Classification: Uncertain significance for Inborn genetic diseases. Last evaluated: 2025-08-29. Review status: criteria provided, single submitter. Criteria: Ambry Variant Classification Scheme 2023. Collection method: clinical testing. Allele origin: germline.

Labcorp Genetics (formerly Invitae), Labcorp
Classification: Uncertain significance. Last evaluated: 2024-09-10. Review status: criteria provided, single submitter. Criteria: Invitae Variant Classification Sherloc (09022015). Collection method: clinical testing. Allele origin: germline.
Comment: This sequence change replaces threonine, which is neutral and polar, with arginine, which is basic and polar, at codon 374 of the ACAN protein (p.Thr374Arg). This variant is present in population databases (rs773517396, gnomAD 0.004%). This variant has not been reported in the literature in individuals affected with ACAN-related conditions. Invitae Evidence Modeling of protein sequence and biophysical properties (such as structural, functional, and spatial information, amino acid conservation, physicochemical variation, residue mobility, and thermodynamic stability) indicates that this missense variant is not expected to disrupt ACAN protein function with a negative predictive value of 80%. In summary, the available evidence is currently insufficient to determine the role of this variant in disease. Therefore, it has been classified as a Variant of Uncertain Significance.

Blueprint Genetics
Classification: Uncertain significance. Last evaluated: 2022-04-07. Review status: criteria provided, single submitter. Criteria: ACMG Guidelines, 2015. Collection method: clinical testing. Allele origin: germline.

NM_001369268.1(ACAN):c.1121C>G (p.Thr374Arg)

Gene: ACAN (aggrecan; plus strand). Cytogenetic location: 15q26.1.
Variant type: single nucleotide variant.
Coding change: c.1121C>G on transcript NM_001369268.1 (MANE Select); coding-DNA position 1121, C replaced by G.
Protein change: p.Thr374Arg; replaces threonine 374 with arginine.
Molecular consequence: missense variant.
Genome position (GRCh38, 1-based): chr15:88,845,574, C>G. VCF-style: chr15-88845574-C-G. GRCh37 (hg19) VCF-style: chr15-89388805-C-G.
Other names: c.1121C>G (NM_013227.3); c.1121C>G, p.Thr374Arg (NM_001135.4, NM_001411096.1, NM_001411097.1 and 1 more transcripts); short protein forms T374R.
Identifiers: ClinVar variation 2892315 (VCV002892315.5), dbSNP rs773517396, ClinGen allele CA7719472.